The following is an entry in ClinVar:

NM_004725.4(BUB3):c.62A>G (p.Lys21Arg)

Gene: BUB3 (BUB3 mitotic checkpoint protein; plus strand). Cytogenetic location: 10q26.13.
Variant type: single nucleotide variant.
Coding change: c.62A>G on transcript NM_004725.4 (MANE Select); coding-DNA position 62, A replaced by G.
Protein change: p.Lys21Arg; replaces lysine 21 with arginine.
Molecular consequence: missense variant.
Genome position (GRCh38, 1-based): chr10:123,154,979, A>G. VCF-style: chr10-123154979-A-G. GRCh37 (hg19) VCF-style: chr10-124914495-A-G.
Other names: c.62A>G, p.Lys21Arg (NM_001007793.3); short protein forms K21R.
Identifiers: ClinVar variation 3483263 (VCV003483263.1).

ClinVar aggregate classification (germline): Uncertain significance (1 of 4 stars; one submission).

gnomAD v4.1: 1 of 1,614,110 alleles (0.000062%); highest among the groups gnomAD compares: Admixed American, 0.0017%; no homozygotes.

Submission:

Ambry Genetics
Classification: Uncertain significance. Last evaluated: 2024-08-19. Review status: criteria provided, single submitter. Criteria: Ambry Variant Classification Scheme 2023. Collection method: clinical testing. Allele origin: germline.
Comment: The p.K21R variant (also known as c.62A>G), located in coding exon 1 of the BUB3 gene, results from an A to G substitution at nucleotide position 62. The lysine at codon 21 is replaced by arginine, an amino acid with highly similar properties. This amino acid position is conserved. In addition, the in silico prediction for this alteration is inconclusive. Based on the available evidence, the clinical significance of this variant remains unclear.